The following is an entry in ClinVar:

ClinVar aggregate classification (germline): Uncertain significance (1 of 4 stars; one submission).

Submission:

Labcorp Genetics (formerly Invitae), Labcorp
Classification: Uncertain significance. Last evaluated: 2021-11-11. Review status: criteria provided, single submitter. Criteria: Invitae Variant Classification Sherloc (09022015). Collection method: clinical testing. Allele origin: germline.
Comment: In summary, the available evidence is currently insufficient to determine the role of this variant in disease. Therefore, it has been classified as a Variant of Uncertain Significance. Advanced modeling of protein sequence and biophysical properties (such as structural, functional, and spatial information, amino acid conservation, physicochemical variation, residue mobility, and thermodynamic stability) performed at Invitae indicates that this missense variant is not expected to disrupt FAT4 protein function. This variant has not been reported in the literature in individuals affected with FAT4-related conditions. This variant is not present in population databases (gnomAD no frequency). This sequence change replaces phenylalanine, which is neutral and non-polar, with leucine, which is neutral and non-polar, at codon 3032 of the FAT4 protein (p.Phe3032Leu).

NM_001291303.3(FAT4):c.9102T>G (p.Phe3034Leu)

Gene: FAT4 (FAT atypical cadherin 4; plus strand). Cytogenetic location: 4q28.1.
Variant type: single nucleotide variant.
Coding change: c.9102T>G on transcript NM_001291303.3 (MANE Select); coding-DNA position 9102, T replaced by G.
Protein change: p.Phe3034Leu; replaces phenylalanine 3034 with leucine.
Molecular consequence: missense variant.
Genome position (GRCh38, 1-based): chr4:125,450,112, T>G. VCF-style: chr4-125450112-T-G. GRCh37 (hg19) VCF-style: chr4-126371267-T-G.
Other names: c.9102T>G, p.Phe3034Leu (NM_001291285.3); c.9096T>G, p.Phe3032Leu (NM_024582.6); short protein forms F3032L, F3034L.
Identifiers: ClinVar variation 1463847 (VCV001463847.6), dbSNP rs2126059002, ClinGen allele CA358149819.